The following is an entry in ClinVar:

NM_000092.5(COL4A4):c.1055C>T (p.Pro352Leu)

Gene: COL4A4 (collagen type IV alpha 4 chain; minus strand). Cytogenetic location: 2q36.3.
Variant type: single nucleotide variant.
Coding change: c.1055C>T on transcript NM_000092.5 (MANE Select); coding-DNA position 1055, C replaced by T.
Protein change: p.Pro352Leu; replaces proline 352 with leucine.
Molecular consequence: missense variant.
Genome position (GRCh38, 1-based): chr2:227,099,664, G>A on the plus strand (C>T on the coding strand, the complement: COL4A4 is on the minus strand). VCF-style: chr2-227099664-G-A. GRCh37 (hg19) VCF-style: chr2-227964380-G-A.
Other names: short protein forms P352L.
Identifiers: ClinVar variation 838912 (VCV000838912.22), dbSNP rs371717486, ClinGen allele CA2145299.

ClinVar aggregate classification (germline): Conflicting classifications of pathogenicity. Review status: criteria provided, conflicting classifications (1 of 4 stars). 11 submissions from 11 submitters: Uncertain significance (8); Likely benign (1). 2 of the submissions do not count toward it. Last evaluated 2026-06-24.

Conditions:
COL4A4-related disorder.
Meniere disease. Also called: Ménière's disease. Identifiers: MedGen C0025281, MONDO:0007972, OMIM 156000.
Alport syndrome. Also called: Hemorrhagic familial nephritis; Hemorrhagic hereditary nephritis; Congenital hereditary hematuria. Identifiers: Orphanet 63, MedGen C1567741, MONDO:0018965.
Hematuria, benign familial, 1 (BFH1). Also called: THIN MEMBRANE NEPHROPATHY. Identifiers: MedGen CN376803, MONDO:0007709, OMIM 141200.
Autosomal recessive Alport syndrome (ATS2). Also called: COL4A4 Alport Syndrome and Thin Basement Membrane Nephropathy; ALPORT SYNDROME 2, AUTOSOMAL RECESSIVE; Alport syndrome type 2; COL4A3-Related Nephropathy. Identifiers: Orphanet 63, Orphanet 88919, MedGen C4746745, MONDO:0008762, OMIM 203780.
Inborn genetic diseases. Identifiers: MedGen C0950123, MeSH D030342.

Allele frequency attached by ClinVar (database versions not stated): ExAC 0.00004; gnomAD exomes 0.00011 and 0.00021; gnomAD 0.00015 and 0.00016; TOPMed 0.00016; ESP Exome Variant Server 0.00025.
gnomAD v4.1: 327 of 1,613,988 alleles (0.02%); highest among the groups gnomAD compares: Non-Finnish European, 0.026%; no homozygotes.

Submissions (11):

PreventionGenetics, part of Exact Sciences
Classification: Uncertain significance for COL4A4-related condition. Last evaluated: 2026-06-24. Review status: criteria provided, single submitter. Criteria: ACMG Guidelines, 2015. Collection method: clinical testing. Allele origin: germline.
Comment: The COL4A4 c.1055C>T variant is predicted to result in the amino acid substitution p.Pro352Leu. This variant was also observed in an individual with progressive proteinuria and hematuria in absence of second variant and this variant was also observed in unaffected father; other potentially causative variants were detected in this individual and this variant in COL4A4 was concluded by the authors not being causative (Jones et al. 2024. PubMed ID: 39410922). This variant is reported in 0.021% of alleles in individuals of European (Non-Finnish) descent in gnomAD. At this time, the clinical significance of this variant is uncertain due to the absence of conclusive functional and genetic evidence.

Myriad Genetics, Inc.
Classification: Uncertain significance for Alport syndrome. Last evaluated: 2026-04-20. Review status: criteria provided, single submitter. Criteria: Myriad Autosomal Dominant, Autosomal Recessive and X-Linked Classification Criteria (2023). Collection method: clinical testing. Allele origin: unknown.
Comment: NM_000092.4(COL4A4):c.1055C>T(P352L) is a missense variant classified as a variant of uncertain significance in the context of Alport syndrome, COL4A4-related. P352L has been observed in cases with relevant disease (PMID: 39410922, 38883771). Relevant functional assessments of this variant are not available in the literature. P352L has been observed in referenced population frequency databases. In summary, there is insufficient evidence to classify NM_000092.4(COL4A4):c.1055C>T(P352L) as pathogenic or benign. Please note: this variant was assessed in the context of healthy population screening.

Labcorp Genetics (formerly Invitae), Labcorp
Classification: Likely benign. Last evaluated: 2025-09-24. Review status: criteria provided, single submitter. Criteria: Invitae Variant Classification Sherloc (09022015). Collection method: clinical testing. Allele origin: germline.

GeneDx
Classification: Uncertain significance. Last evaluated: 2025-07-30. Review status: criteria provided, single submitter. Criteria: GeneDx Variant Classification Process June 2021. Collection method: clinical testing. Allele origin: germline. Affected: yes.
Comment: Reported in a patient with sensorineural hearing loss, hematuria and end-stage kidney disease in published literature (PMID: 38883771); this patient was also found to carry a hemizygous COL4A5 variant; In silico analysis supports that this missense variant has a deleterious effect on protein structure/function; Occurs in the triple helical domain at the Y position in the canonical Gly-X-Y repeat; although this variant may have an effect on normal protein folding and function, missense substitution at the Y position is not a common mechanism of disease; This variant is associated with the following publications: (PMID: 38883771)

Women's Health and Genetics/Laboratory Corporation of America, LabCorp
Classification: Uncertain significance. Last evaluated: 2024-10-30. Review status: criteria provided, single submitter. Criteria: LabCorp Variant Classification Summary - May 2015. Collection method: clinical testing. Allele origin: germline.
Comment: Variant summary: COL4A4 c.1055C>T (p.Pro352Leu) results in a non-conservative amino acid change in the encoded protein sequence. Five of five in-silico tools predict a damaging effect of the variant on protein function. The variant allele was found at a frequency of 0.00011 in 249452 control chromosomes. This frequency is not significantly higher than estimated for a pathogenic variant in COL4A4 causing Alport Syndrome, Autosomal Recessive (0.00011 vs 0.0011), allowing no conclusion about variant significance. To our knowledge, no occurrence of c.1055C>T in individuals affected with Alport Syndrome, Autosomal Recessive and no experimental evidence demonstrating its impact on protein function have been reported. ClinVar contains an entry for this variant (Variation ID: 838912). Based on the evidence outlined above, the variant was classified as uncertain significance.

Clinical Genomics Laboratory, Washington University in St. Louis
Classification: Uncertain significance for Autosomal recessive Alport syndrome. Last evaluated: 2024-09-10. Review status: criteria provided, single submitter. Criteria: ACMG Guidelines, 2015. Collection method: clinical testing. Allele origin: germline.
Comment: A COL4A4 c.1055C>T (p.Pro352Leu) variant was identified. This variant, to our knowledge, has not been reported in the medical literature, but has been reported in the ClinVar database as a germline variant of uncertain significance by four submitters and likely benign by one submitter (ClinVar ID: 838912). It is observed on 31/280,840 alleles in the general population (gnomAD v.2.1.1). Computational predictors are uncertain as to the impact of this variant on COL4A4 function. Due to limited information, and based on ACMG/AMP guidelines for variant interpretation (Richards S et al., PMID: 25741868), the clinical significance of the COL4A4 c.1055C>T (p.Pro352Leu) variant is uncertain at this time.

Blueprint Genetics
Classification: Uncertain significance. Last evaluated: 2024-03-15. Review status: criteria provided, single submitter. Criteria: ACMG Guidelines, 2015. Collection method: clinical testing. Allele origin: germline.

Fulgent Genetics
Classification: Uncertain significance for Hematuria, benign familial, 1; Autosomal recessive Alport syndrome. Last evaluated: 2024-01-23. Review status: criteria provided, single submitter. Criteria: ACMG Guidelines, 2015. Collection method: clinical testing. Allele origin: germline.

Ambry Genetics
Classification: Uncertain significance for Inborn genetic diseases. Last evaluated: 2022-01-10. Review status: criteria provided, single submitter. Criteria: Ambry Variant Classification Scheme 2023. Collection method: clinical testing. Allele origin: germline.

Center for Computational Biology & Bioinformatics, University of California, San Diego
Classification: Uncertain significance for Meniere disease. Last evaluated: 2024-06-03. Review status: no assertion criteria provided. Collection method: research. Allele origin: germline. Affected: yes. Not counted in ClinVar's aggregate classification.

Natera, Inc.
Classification: Uncertain significance for Alport syndrome. Last evaluated: 2020-02-13. Review status: no assertion criteria provided. Collection method: clinical testing. Allele origin: germline. Not counted in ClinVar's aggregate classification.

Literature cited by the submitters: PubMed 38883771 (cited by Myriad Genetics, Inc.); PubMed 39410922 (cited by Myriad Genetics, Inc.).